The following is an entry in ClinVar:

NM_021252.5(RAB18):c.276_277del (p.Asp94fs)

Gene: RAB18 (RAB18, member RAS oncogene family; plus strand). Cytogenetic location: 10p12.1.
Variant type: Deletion.
Coding change: c.276_277del on transcript NM_021252.5 (MANE Select); coding-DNA positions 276 to 277, 2 bases deleted (AA; older notation c.276_277delAA).
Protein change: p.Asp94fs; shifts the reading frame from aspartic acid 94.
Molecular consequence: frameshift variant. On other transcripts: non-coding transcript variant (1), intron variant (1).
Genome position (GRCh38, 1-based): chr10:27,533,751-27,533,752, AA deleted. VCF-style (leftmost placement, unchanged base first): chr10-27533750-GAA-G. GRCh37 (hg19) VCF-style: chr10-27822679-GAA-G.
Other names: c.363_364del, p.Asp123fs (NM_001256410.2); c.276_277del, p.Asp94fs (NM_001256411.2); c.187-177_187-176del (NM_001256412.2); short protein forms D123fs, D94fs.
Identifiers: ClinVar variation 2875520 (VCV002875520.3), dbSNP rs1261639905, ClinGen allele CA592780861.
Genomic context (GRCh38, chr10:27,533,750, plus strand): 5'-TTCTTTCTTTAATGCTTATTTAACAAATGACTCCTTTTATTTCAGTTTATGATGTCACAA[GAA>G]GAGATACATTTGTTAAACTGGATAATTGGTTAAATGAATTGGAAACATACTGTACAAGAA-3'

ClinVar aggregate classification (germline): Pathogenic (1 of 4 stars; one submission).

Allele frequency attached by ClinVar (database versions not stated): TOPMed below 0.00001; gnomAD 0.00001.

Submission:

Labcorp Genetics (formerly Invitae), Labcorp
Classification: Pathogenic. Last evaluated: 2023-02-02. Review status: criteria provided, single submitter. Criteria: Invitae Variant Classification Sherloc (09022015). Collection method: clinical testing. Allele origin: germline.
Comment: For these reasons, this variant has been classified as Pathogenic. This sequence change creates a premature translational stop signal (p.Asp94Tyrfs*4) in the RAB18 gene. It is expected to result in an absent or disrupted protein product. Loss-of-function variants in RAB18 are known to be pathogenic (PMID: 21473985). This variant is present in population databases (no rsID available, gnomAD 0.0009%). This variant has not been reported in the literature in individuals affected with RAB18-related conditions.

Literature cited by the submitters: PubMed 21473985.